The following is an entry in ClinVar:

NM_005026.5(PIK3CD):c.644C>T (p.Ala215Val)

Gene: PIK3CD (phosphatidylinositol-4,5-bisphosphate 3-kinase catalytic subunit delta; plus strand). Cytogenetic location: 1p36.22.
Variant type: single nucleotide variant.
Coding change: c.644C>T on transcript NM_005026.5 (MANE Select); coding-DNA position 644, C replaced by T.
Protein change: p.Ala215Val; replaces alanine 215 with valine.
Molecular consequence: missense variant.
Genome position (GRCh38, 1-based): chr1:9,716,483, C>T. VCF-style: chr1-9716483-C-T. GRCh37 (hg19) VCF-style: chr1-9776541-C-T.
Other names: c.644C>T, p.Ala215Val (NM_001350234.2, NM_001350235.1); short protein forms A215V.
Identifiers: ClinVar variation 1908397 (VCV001908397.18), dbSNP rs779226622, ClinGen allele CA576947.

ClinVar aggregate classification (germline): Uncertain significance. Review status: criteria provided, multiple submitters, no conflicts (2 of 4 stars). 3 submissions from 3 submitters: Uncertain significance (3). Last evaluated 2025-12-11.

Conditions:
Inborn genetic diseases. Identifiers: MedGen C0950123, MeSH D030342.
Immunodeficiency 14 (IMD14A). Also called: Activated PI3K Delta Syndrome Type 1 (APDS1); ACTIVATED PI3K-DELTA SYNDROME 1; p110-DELTA-ACTIVATING MUTATION CAUSING SENESCENT T CELLS, LYMPHADENOPATHY, AND IMMUNODEFICIENCY; IMMUNODEFICIENCY 14A WITH LYMPHOPROLIFERATION, AUTOSOMAL DOMINANT. Identifiers: Orphanet 397596, Orphanet 693661, MedGen C5907821, MONDO:0014222, OMIM 615513.

Allele frequency attached by ClinVar (database versions not stated): gnomAD 0.00001; TOPMed 0.00001; ExAC 0.00003.
gnomAD v4.1: 26 of 1,610,990 alleles (0.0016%); highest among the groups gnomAD compares: East Asian, 0.0022%; no homozygotes.

Submissions (3):

Ambry Genetics
Classification: Uncertain significance for Inborn genetic diseases. Last evaluated: 2025-12-11. Review status: criteria provided, single submitter. Criteria: Ambry Variant Classification Scheme 2023. Collection method: clinical testing. Allele origin: germline.

CeGaT Center for Human Genetics Tuebingen
Classification: Uncertain significance. Last evaluated: 2025-02-01. Review status: criteria provided, single submitter. Criteria: CeGaT Center For Human Genetics Tuebingen Variant Classification Criteria Version 2. Collection method: clinical testing. Allele origin: germline. Affected: yes. Observed: 1 variant allele.
Comment: PIK3CD: PM2, BP4

Labcorp Genetics (formerly Invitae), Labcorp
Classification: Uncertain significance for Activated PI3K-delta syndrome. Last evaluated: 2022-09-23. Review status: criteria provided, single submitter. Criteria: Invitae Variant Classification Sherloc (09022015). Collection method: clinical testing. Allele origin: germline.
Comment: This sequence change replaces alanine, which is neutral and non-polar, with valine, which is neutral and non-polar, at codon 215 of the PIK3CD protein (p.Ala215Val). This variant is present in population databases (rs779226622, gnomAD 0.006%). This variant has not been reported in the literature in individuals affected with PIK3CD-related conditions. Advanced modeling of protein sequence and biophysical properties (such as structural, functional, and spatial information, amino acid conservation, physicochemical variation, residue mobility, and thermodynamic stability) performed at Invitae indicates that this missense variant is not expected to disrupt PIK3CD protein function. In summary, the available evidence is currently insufficient to determine the role of this variant in disease. Therefore, it has been classified as a Variant of Uncertain Significance.